The following is an entry in ClinVar:

NM_017617.5(NOTCH1):c.3707C>T (p.Pro1236Leu)

Gene: NOTCH1 (notch receptor 1; minus strand). Cytogenetic location: 9q34.3.
Variant type: single nucleotide variant.
Coding change: c.3707C>T on transcript NM_017617.5 (MANE Select); coding-DNA position 3707, C replaced by T.
Protein change: p.Pro1236Leu; replaces proline 1236 with leucine.
Molecular consequence: missense variant.
Genome position (GRCh38, 1-based): chr9:136,506,910, G>A on the plus strand (C>T on the coding strand, the complement: NOTCH1 is on the minus strand). VCF-style: chr9-136506910-G-A. GRCh37 (hg19) VCF-style: chr9-139401362-G-A.
Other names: p.Pro1236Leu; short protein forms P1236L.
Identifiers: ClinVar variation 2761133 (VCV002761133.4), dbSNP rs1241855040, ClinGen allele CA375549517.

ClinVar aggregate classification (germline): Uncertain significance. Review status: criteria provided, multiple submitters, no conflicts (2 of 4 stars). 2 submissions from 2 submitters: Uncertain significance (2). Last evaluated 2025-12-13.

Conditions:
Adams-Oliver syndrome 5 (AOS5). Identifiers: Orphanet 974, MedGen C4014970, MONDO:0014459, OMIM 616028.

Allele frequency attached by ClinVar (database versions not stated): gnomAD 0.00001; TOPMed 0.00001.
gnomAD v4.1: 5 of 1,611,584 alleles (0.00031%); highest among the groups gnomAD compares: African/African-American, 0.0013%; no homozygotes.

Submissions (2):

Labcorp Genetics (formerly Invitae), Labcorp
Classification: Uncertain significance for Adams-Oliver syndrome 5. Last evaluated: 2025-12-13. Review status: criteria provided, single submitter. Criteria: Invitae Variant Classification Sherloc (09022015). Collection method: clinical testing. Allele origin: germline.
Comment: This sequence change replaces proline, which is neutral and non-polar, with leucine, which is neutral and non-polar, at codon 1236 of the NOTCH1 protein (p.Pro1236Leu). This variant is not present in population databases (gnomAD no frequency). This variant has not been reported in the literature in individuals affected with NOTCH1-related conditions. ClinVar contains an entry for this variant (Variation ID: 2761133). Invitae Evidence Modeling of protein sequence and biophysical properties (such as structural, functional, and spatial information, amino acid conservation, physicochemical variation, residue mobility, and thermodynamic stability) indicates that this missense variant is not expected to disrupt NOTCH1 protein function with a negative predictive value of 95%. In summary, the available evidence is currently insufficient to determine the role of this variant in disease. Therefore, it has been classified as a Variant of Uncertain Significance.

Mayo Clinic Laboratories, Mayo Clinic
Classification: Uncertain significance. Last evaluated: 2024-04-02. Review status: criteria provided, single submitter. Criteria: ACMG Guidelines, 2015. Collection method: clinical testing. Allele origin: germline. Observed: 1 variant allele.
Comment: PP2, PP3, PM2

Literature cited by the submitters: PubMed 25907466 (cited by Mayo Clinic Laboratories, Mayo Clinic).